The following is an entry in ClinVar:

ClinVar aggregate classification (germline): Likely pathogenic (1 of 4 stars; one submission).

Conditions:
Breast-ovarian cancer, familial, susceptibility to, 4. Identifiers: Orphanet 145, MedGen C3280345, MONDO:0013669, OMIM 614291.

Submission:

Labcorp Genetics (formerly Invitae), Labcorp
Classification: Likely pathogenic for Breast-ovarian cancer, familial, susceptibility to, 4. Last evaluated: 2018-08-02. Review status: criteria provided, single submitter. Criteria: Invitae Variant Classification Sherloc (09022015). Collection method: clinical testing. Allele origin: germline.
Comment: This variant is a gross deletion of the genomic region encompassing the last 8 nucleotides of exon 9 and exon 10 of the RAD51D gene, including the exon 9- intron 9 boundary (c.896_*505del). While this deletion is not anticipated to result in nonsense mediated decay, it is expected to create a truncated protein product or disrupt mRNA translation. While this particular deletion has not been reported in the literature, a gross deletion of exon 10 has been observed in an individual affected with breast cancer (PMID: 26681312). This gross deletion is expected to delete amino acid residues Ser299-Thr328 of the RAD51D protein, thereby removing the C-terminus of the ATPase domain (PMID: 14704354, 19327148, 21111057). Although functional studies have not been done for this particular deletion, experimental studies using yeast two-hybrid analysis has shown that the region of the RAD51D protein necessary for RAD51C complexing localizes to the last ~100 amino acids (PMID: 10749867, 14704354, 19327148). The data indicates that this deletion likely disrupts this important RAD51D-RAD51C interaction. In summary, the currently available evidence indicates that the variant is pathogenic, but additional data are needed to prove that conclusively. Therefore, this variant has been classified as Likely Pathogenic.

Literature cited by the submitters: PubMed 26681312; PubMed 14704354; PubMed 19327148; PubMed 21111057; PubMed 10749867.

NC_000017.11:g.(?_35100943)_(35101046_?)del

Genes: RAD51D (RAD51 paralog D; minus strand), RAD51L3-RFFL (RAD51L3-RFFL readthrough; minus strand). Cytogenetic location: 17q12.
Variant type: Deletion.
Identifiers: ClinVar variation 655235 (VCV000655235.2).